The following is an entry in ClinVar:

ClinVar aggregate classification (germline): Uncertain significance (1 of 4 stars; one submission).

Conditions:
Inborn genetic diseases. Identifiers: MedGen C0950123, MeSH D030342.

gnomAD v4.1: 1 of 1,613,334 alleles (0.000062%); highest among the groups gnomAD compares: Non-Finnish European, 0.000085%; no homozygotes.

Submission:

Ambry Genetics
Classification: Uncertain significance for Inborn genetic diseases. Last evaluated: 2025-01-31. Review status: criteria provided, single submitter. Criteria: Ambry Variant Classification Scheme 2023. Collection method: clinical testing. Allele origin: germline.
Comment: The p.S848C variant (also known as c.2542A>T), located in coding exon 1 of the SAMD9L gene, results from an A to T substitution at nucleotide position 2542. The serine at codon 848 is replaced by cysteine, an amino acid with dissimilar properties. This amino acid position is conserved. In addition, this alteration is predicted to be tolerated by in silico analysis. Based on the available evidence, the clinical significance of this variant remains unclear.

NM_152703.5(SAMD9L):c.2542A>T (p.Ser848Cys)

Gene: SAMD9L (sterile alpha motif domain containing 9 like; minus strand). Cytogenetic location: 7q21.2.
Variant type: single nucleotide variant.
Coding change: c.2542A>T on transcript NM_152703.5 (MANE Select); coding-DNA position 2542, A replaced by T.
Protein change: p.Ser848Cys; replaces serine 848 with cysteine.
Molecular consequence: missense variant.
Genome position (GRCh38, 1-based): chr7:93,133,430, T>A on the plus strand (A>T on the coding strand, the complement: SAMD9L is on the minus strand). VCF-style: chr7-93133430-T-A. GRCh37 (hg19) VCF-style: chr7-92762743-T-A.
Other names: c.2542A>T, p.Ser848Cys (NM_001303496.3, NM_001303497.3, NM_001303498.3 and 5 more transcripts); short protein forms S848C.
Identifiers: ClinVar variation 3792372 (VCV003792372.1).
Genomic context (GRCh38, chr7:93,133,430, plus strand): 5'-CTCTTTGTTCCTTGGAAGAAAGTTGGTAATTTAGTGCAATACTGTCTGCCAATTTTGCAC[T>A]TTCATCTGGATTCCGGGATCTCATGCAGTTTAAGATAATTACCAATGTTTTTTCATATCG-3'
Protein context (NP_689916.2, residues 838-858): NCMRSRNPDE[Ser848Cys]AKLADSIALN